The following is an entry in ClinVar:

NM_014806.5(RUSC2):c.3001A>G (p.Asn1001Asp)

Gene: RUSC2 (RUN and SH3 domain containing 2; plus strand). Cytogenetic location: 9p13.3.
Variant type: single nucleotide variant.
Coding change: c.3001A>G on transcript NM_014806.5 (MANE Select); coding-DNA position 3001, A replaced by G.
Protein change: p.Asn1001Asp; replaces asparagine 1001 with aspartic acid.
Molecular consequence: missense variant. On other transcripts: non-coding transcript variant (1).
Genome position (GRCh38, 1-based): chr9:35,557,931, A>G. VCF-style: chr9-35557931-A-G. GRCh37 (hg19) VCF-style: chr9-35557928-A-G.
Other names: c.3001A>G, p.Asn1001Asp (NM_001135999.2); c.367A>G, p.Asn123Asp (NM_001330740.2); short protein forms N1001D, N123D.
Identifiers: ClinVar variation 2090068 (VCV002090068.4), dbSNP rs1822056715, ClinGen allele CA373347015.

ClinVar aggregate classification (germline): Uncertain significance (1 of 4 stars; one submission).

Allele frequency attached by ClinVar (database versions not stated): gnomAD 0.00001.
gnomAD v4.1: 1 of 1,614,064 alleles (0.000062%); highest among the groups gnomAD compares: Admixed American, 0.0017%; no homozygotes.

Submission:

Labcorp Genetics (formerly Invitae), Labcorp
Classification: Uncertain significance. Last evaluated: 2022-03-07. Review status: criteria provided, single submitter. Criteria: Invitae Variant Classification Sherloc (09022015). Collection method: clinical testing. Allele origin: germline.
Comment: In summary, the available evidence is currently insufficient to determine the role of this variant in disease. Therefore, it has been classified as a Variant of Uncertain Significance. Algorithms developed to predict the effect of missense changes on protein structure and function are either unavailable or do not agree on the potential impact of this missense change (SIFT: "Deleterious"; PolyPhen-2: "Probably Damaging"; Align-GVGD: "Class C15"). This variant has not been reported in the literature in individuals affected with RUSC2-related conditions. This variant is not present in population databases (gnomAD no frequency). This sequence change replaces asparagine, which is neutral and polar, with aspartic acid, which is acidic and polar, at codon 1001 of the RUSC2 protein (p.Asn1001Asp).